The following is an entry in ClinVar:

ClinVar aggregate classification (germline): Uncertain significance. Review status: criteria provided, multiple submitters, no conflicts (2 of 4 stars). 2 submissions from 2 submitters: Uncertain significance (2). Last evaluated 2025-10-06.

Conditions:
Hereditary cancer-predisposing syndrome. Also called: Neoplastic Syndromes, Hereditary; Tumor predisposition; Hereditary Cancer Syndrome; Hereditary neoplastic syndrome. Identifiers: Orphanet 140162, MedGen C0027672, MeSH D009386, MONDO:0015356.
Familial cancer of breast. Also called: hereditary breast carcinoma; BREAST CANCER, FAMILIAL; Hereditary breast cancer. Identifiers: Orphanet 227535, MedGen C0346153, MONDO:0016419, OMIM 114480. Disease mechanism: loss of function.

Allele frequency attached by ClinVar (database versions not stated): TOPMed below 0.00001; gnomAD 0.00001.
gnomAD v4.1: 1 of 1,613,720 alleles (0.000062%); highest among the groups gnomAD compares: Non-Finnish European, 0.000085%; no homozygotes.

Submissions (2):

Labcorp Genetics (formerly Invitae), Labcorp
Classification: Uncertain significance for Familial cancer of breast. Last evaluated: 2025-10-06. Review status: criteria provided, single submitter. Criteria: Invitae Variant Classification Sherloc (09022015). Collection method: clinical testing. Allele origin: germline.
Comment: This sequence change replaces tyrosine, which is neutral and polar, with cysteine, which is neutral and slightly polar, at codon 1055 of the PALB2 protein (p.Tyr1055Cys). This variant is not present in population databases (gnomAD no frequency). This variant has not been reported in the literature in individuals affected with PALB2-related conditions. ClinVar contains an entry for this variant (Variation ID: 651654). Invitae Evidence Modeling of protein sequence and biophysical properties (such as structural, functional, and spatial information, amino acid conservation, physicochemical variation, residue mobility, and thermodynamic stability) indicates that this missense variant is not expected to disrupt PALB2 protein function with a negative predictive value of 80%. In summary, the available evidence is currently insufficient to determine the role of this variant in disease. Therefore, it has been classified as a Variant of Uncertain Significance.

Ambry Genetics
Classification: Uncertain significance for Hereditary cancer-predisposing syndrome. Last evaluated: 2023-11-18. Review status: criteria provided, single submitter. Criteria: Ambry Variant Classification Scheme 2023. Collection method: clinical testing. Allele origin: germline.
Comment: The p.Y1055C variant (also known as c.3164A>G), located in coding exon 11 of the PALB2 gene, results from an A to G substitution at nucleotide position 3164. The tyrosine at codon 1055 is replaced by cysteine, an amino acid with highly dissimilar properties. This amino acid position is conserved. In addition, this alteration is predicted to be tolerated by in silico analysis. Since supporting evidence is limited at this time, the clinical significance of this alteration remains unclear.

NM_024675.4(PALB2):c.3164A>G (p.Tyr1055Cys)

Gene: PALB2 (partner and localizer of BRCA2; minus strand). Cytogenetic location: 16p12.2.
Variant type: single nucleotide variant.
Coding change: c.3164A>G on transcript NM_024675.4 (MANE Select); coding-DNA position 3164, A replaced by G.
Protein change: p.Tyr1055Cys; replaces tyrosine 1055 with cysteine.
Molecular consequence: missense variant.
Genome position (GRCh38, 1-based): chr16:23,614,041, T>C on the plus strand (A>G on the coding strand, the complement: PALB2 is on the minus strand). VCF-style: chr16-23614041-T-C. GRCh37 (hg19) VCF-style: chr16-23625362-T-C.
Other names: short protein forms Y1055C.
Identifiers: ClinVar variation 651654 (VCV000651654.10), dbSNP rs1297371446, ClinGen allele CA395141274.